The following is an entry in ClinVar:

NM_000045.4(ARG1):c.673A>G (p.Arg225Gly)

Genes: ARG1 (arginase 1; plus strand), MED23 (mediator complex subunit 23; minus strand). Cytogenetic location: 6q23.2.
Variant type: single nucleotide variant.
Coding change: c.673A>G on transcript NM_000045.4 (MANE Select); coding-DNA position 673, A replaced by G.
Protein change: p.Arg225Gly; replaces arginine 225 with glycine.
Molecular consequence: missense variant. On other transcripts: non-coding transcript variant (1), intron variant (2).
Genome position (GRCh38, 1-based): chr6:131,583,362, A>G. VCF-style: chr6-131583362-A-G. GRCh37 (hg19) VCF-style: chr6-131904502-A-G.
Other names: c.697A>G, p.Arg233Gly (NM_001244438.2); c.418A>G, p.Arg140Gly (NM_001369020.1); c.4077+4347T>C (NM_001270521.2); c.4095+4347T>C (NM_015979.4); short protein forms R140G, R225G, R233G.
Identifiers: ClinVar variation 1946233 (VCV001946233.2), dbSNP rs894974293, ClinGen allele CA147898136.

ClinVar aggregate classification (germline): Uncertain significance (1 of 4 stars; one submission).

Conditions:
Arginase deficiency. Also called: ARGININEMIA; ARG1 DEFICIENCY; Arginase 1 Deficiency. Identifiers: Orphanet 90, MedGen C0268548, MONDO:0008814, OMIM 207800.

Allele frequency attached by ClinVar (database versions not stated): gnomAD exomes below 0.00001; TOPMed below 0.00001.
gnomAD v4.1: 1 of 1,614,172 alleles (0.000062%); highest among the groups gnomAD compares: Admixed American, 0.0017%; no homozygotes.

Submission:

Labcorp Genetics (formerly Invitae), Labcorp
Classification: Uncertain significance for Arginase deficiency. Last evaluated: 2022-02-25. Review status: criteria provided, single submitter. Criteria: Invitae Variant Classification Sherloc (09022015). Collection method: clinical testing. Allele origin: germline.
Comment: This sequence change replaces arginine, which is basic and polar, with glycine, which is neutral and non-polar, at codon 225 of the ARG1 protein (p.Arg225Gly). This variant is present in population databases (no rsID available, gnomAD no frequency). This missense change has been observed in individual(s) with clinical features of ARG1-related conditions (Invitae). In at least one individual the data is consistent with being in trans (on the opposite chromosome) from a pathogenic variant. Algorithms developed to predict the effect of missense changes on protein structure and function are either unavailable or do not agree on the potential impact of this missense change (SIFT: "Tolerated"; PolyPhen-2: "Probably Damaging"; Align-GVGD: "Class C0"). In summary, the available evidence is currently insufficient to determine the role of this variant in disease. Therefore, it has been classified as a Variant of Uncertain Significance.